The following is an entry in ClinVar:

ClinVar aggregate classification (germline): Uncertain significance (1 of 4 stars; one submission).

Allele frequency attached by ClinVar (database versions not stated): ExAC 0.00002; TOPMed 0.00003; gnomAD 0.00004; gnomAD exomes 0.00004.

Submission:

Greenwood Genetic Center Diagnostic Laboratories, Greenwood Genetic Center
Classification: Uncertain significance. Last evaluated: 2021-01-15. Review status: criteria provided, single submitter. Criteria: ACMG Guidelines, 2015. Collection method: clinical testing. Allele origin: germline. Affected: yes.
Comment: PM2

NM_006267.5(RANBP2):c.5948A>G (p.Tyr1983Cys)

Gene: RANBP2 (RAN binding protein 2; plus strand). Cytogenetic location: 2q13.
Variant type: single nucleotide variant.
Coding change: c.5948A>G on transcript NM_006267.5 (MANE Select); coding-DNA position 5948, A replaced by G.
Protein change: p.Tyr1983Cys; replaces tyrosine 1983 with cysteine.
Molecular consequence: missense variant.
Genome position (GRCh38, 1-based): chr2:108,766,487, A>G. VCF-style: chr2-108766487-A-G. GRCh37 (hg19) VCF-style: chr2-109382943-A-G.
Other names: short protein forms Y1983C.
Identifiers: ClinVar variation 1331649 (VCV001331649.4), dbSNP rs760219310, ClinGen allele CA1823369.